The following is an entry in ClinVar:

ClinVar aggregate classification (germline): Uncertain significance. Review status: criteria provided, multiple submitters, no conflicts (2 of 4 stars). 2 submissions from 2 submitters: Uncertain significance (2). Last evaluated 2022-08-30.

Conditions:
Inborn genetic diseases. Identifiers: MedGen C0950123, MeSH D030342.
Charcot-Marie-Tooth disease type 2E (CMT2E). Also called: CHARCOT-MARIE-TOOTH DISEASE, AXONAL, TYPE 2E; CHARCOT-MARIE-TOOTH NEUROPATHY, TYPE 2E. Identifiers: Orphanet 99939, MedGen C1843225, MONDO:0011894, OMIM 607684.

Submissions (2):

Labcorp Genetics (formerly Invitae), Labcorp
Classification: Uncertain significance for Charcot-Marie-Tooth disease type 2E. Last evaluated: 2022-08-30. Review status: criteria provided, single submitter. Criteria: Invitae Variant Classification Sherloc (09022015). Collection method: clinical testing. Allele origin: germline.
Comment: In summary, the available evidence is currently insufficient to determine the role of this variant in disease. Therefore, it has been classified as a Variant of Uncertain Significance. Experimental studies and prediction algorithms are not available or were not evaluated, and the functional significance of this variant is currently unknown. This sequence change replaces glutamic acid, which is acidic and polar, with glutamine, which is neutral and polar, at codon 385 of the NEFL protein (p.Glu385Gln). This variant is not present in population databases (gnomAD no frequency). This variant has not been reported in the literature in individuals affected with NEFL-related conditions.

Ambry Genetics
Classification: Uncertain significance for Inborn genetic diseases. Last evaluated: 2020-10-13. Review status: criteria provided, single submitter. Criteria: Ambry Variant Classification Scheme 2023. Collection method: clinical testing. Allele origin: germline.
Comment: The p.E385Q variant (also known as c.1153G>C), located in coding exon 2 of the NEFL gene, results from a G to C substitution at nucleotide position 1153. The glutamic acid at codon 385 is replaced by glutamine, an amino acid with highly similar properties. This amino acid position is highly conserved in available vertebrate species. In addition, this alteration is predicted to be deleterious by in silico analysis. Since supporting evidence is limited at this time, the clinical significance of this alteration remains unclear.

NM_006158.5(NEFL):c.1153G>C (p.Glu385Gln)

Genes: NEFL (neurofilament light chain; minus strand), LOC126860330 (BRD4-independent group 4 enhancer GRCh37_chr8:24811677-24812876; plus strand). Cytogenetic location: 8p21.2.
Variant type: single nucleotide variant.
Coding change: c.1153G>C on transcript NM_006158.5 (MANE Select); coding-DNA position 1153, G replaced by C.
Protein change: p.Glu385Gln; replaces glutamic acid 385 with glutamine.
Molecular consequence: missense variant.
Genome position (GRCh38, 1-based): chr8:24,954,197, C>G on the plus strand (G>C on the coding strand, the complement: NEFL is on the minus strand). VCF-style: chr8-24954197-C-G. GRCh37 (hg19) VCF-style: chr8-24811711-C-G.
Other names: short protein forms E385Q.
Identifiers: ClinVar variation 1718346 (VCV001718346.8), dbSNP rs2486883059, ClinGen allele CA370620793.